The following is an entry in ClinVar:

NM_001136191.3(KANK2):c.1280C>T (p.Ser427Leu)

Gene: KANK2 (KN motif and ankyrin repeat domains 2; minus strand). Cytogenetic location: 19p13.2.
Variant type: single nucleotide variant.
Coding change: c.1280C>T on transcript NM_001136191.3 (MANE Select); coding-DNA position 1280, C replaced by T.
Protein change: p.Ser427Leu; replaces serine 427 with leucine.
Molecular consequence: missense variant.
Genome position (GRCh38, 1-based): chr19:11,178,690, G>A on the plus strand (C>T on the coding strand, the complement: KANK2 is on the minus strand). VCF-style: chr19-11178690-G-A. GRCh37 (hg19) VCF-style: chr19-11289366-G-A.
Other names: c.1280C>T, p.Ser427Leu (NM_001379555.1, NM_001379556.1, NM_001379557.1 and 15 more transcripts); short protein forms S427L.
Identifiers: ClinVar variation 3633093 (VCV003633093.2).
Genomic context (GRCh38, chr19:11,178,690, plus strand): 5'-ACTCGGCCTGTGCTCTTCTCAGGCTGTGTAAGGGAGGCTACCTCGGACCCCGGGGGTGAC[G>A]AAGACGATTCGGCAGGAACTTCTGGGAGGCCTGGAGGGACAGGAAATGAGTGTCTGCTCT-3'
Protein context (NP_001129663.1, residues 417-437): GLPEVPAESS[Ser427Leu]SPPGSEVASL

ClinVar aggregate classification (germline): Uncertain significance (1 of 4 stars; one submission).

gnomAD v4.1: 11 of 1,539,728 alleles (0.00071%); highest among the groups gnomAD compares: South Asian, 0.0025%; no homozygotes.

Submission:

Labcorp Genetics (formerly Invitae), Labcorp
Classification: Uncertain significance. Last evaluated: 2025-08-19. Review status: criteria provided, single submitter. Criteria: Invitae Variant Classification Sherloc (09022015). Collection method: clinical testing. Allele origin: germline.
Comment: This sequence change replaces serine, which is neutral and polar, with leucine, which is neutral and non-polar, at codon 427 of the KANK2 protein (p.Ser427Leu). The frequency data for this variant in the population databases is considered unreliable, as metrics indicate poor data quality at this position in the gnomAD database. This variant has not been reported in the literature in individuals affected with KANK2-related conditions. ClinVar contains an entry for this variant (Variation ID: 3633093). An algorithm developed to predict the effect of missense changes on protein structure and function outputs the following: PolyPhen-2: "Benign". The leucine amino acid residue is found in multiple mammalian species, which suggests that this missense change does not adversely affect protein function. In summary, the available evidence is currently insufficient to determine the role of this variant in disease. Therefore, it has been classified as a Variant of Uncertain Significance.